The following is an entry in ClinVar:

NM_001271.4(CHD2):c.5106G>A (p.Gln1702=)

Gene: CHD2 (chromodomain helicase DNA binding protein 2; plus strand). Cytogenetic location: 15q26.1.
Variant type: single nucleotide variant.
Coding change: c.5106G>A on transcript NM_001271.4 (MANE Select); coding-DNA position 5106, G replaced by A.
Protein change: p.Gln1702=; no amino-acid change (glutamine 1702 retained).
Molecular consequence: synonymous variant.
Genome position (GRCh38, 1-based): chr15:93,020,211, G>A. VCF-style: chr15-93020211-G-A. GRCh37 (hg19) VCF-style: chr15-93563441-G-A.
Identifiers: ClinVar variation 509574 (VCV000509574.35), dbSNP rs781108294, ClinGen allele CA7748653.

ClinVar aggregate classification (germline): Benign/Likely benign. Review status: criteria provided, multiple submitters, no conflicts (2 of 4 stars). 4 submissions from 4 submitters: Benign (2); Likely benign (2). Last evaluated 2025-07-14.

Conditions:
Developmental and epileptic encephalopathy 94 (DEE94). Also called: Epileptic encephalopathy, childhood-onset; CHD2-Related Neurodevelopmental Disorders. Identifiers: Orphanet 1942, Orphanet 2382, MedGen C3809278, MONDO:0014150, OMIM 615369.

Allele frequency attached by ClinVar (database versions not stated): gnomAD 0.00001 and 0.00005; TOPMed 0.00003; gnomAD exomes 0.00007 and 0.00013; ExAC 0.00012.
gnomAD v4.1: 104 of 1,614,070 alleles (0.0064%); highest among the groups gnomAD compares: South Asian, 0.096%; 2 homozygotes.

Submissions (4):

Labcorp Genetics (formerly Invitae), Labcorp
Classification: Benign for Developmental and epileptic encephalopathy 94. Last evaluated: 2025-07-14. Review status: criteria provided, single submitter. Criteria: Invitae Variant Classification Sherloc (09022015). Collection method: clinical testing. Allele origin: germline.

CeGaT Center for Human Genetics Tuebingen
Classification: Likely benign. Last evaluated: 2024-01-01. Review status: criteria provided, single submitter. Criteria: CeGaT Center For Human Genetics Tuebingen Variant Classification Criteria Version 2. Collection method: clinical testing. Allele origin: germline. Affected: yes. Observed: 1 variant allele.
Comment: CHD2: BP4, BP7, BS1

Athena Diagnostics
Classification: Benign. Last evaluated: 2020-02-12. Review status: criteria provided, single submitter. Criteria: Athena Diagnostics Criteria. Collection method: clinical testing. Allele origin: unknown.

GeneDx
Classification: Likely benign. Last evaluated: 2017-05-16. Review status: criteria provided, single submitter. Criteria: GeneDx Variant Classification (06012015). Collection method: clinical testing. Allele origin: germline. Affected: yes.
Comment: This variant is considered likely benign or benign based on one or more of the following criteria: it is a conservative change, it occurs at a poorly conserved position in the protein, it is predicted to be benign by multiple in silico algorithms, and/or has population frequency not consistent with disease.